The following is an entry in ClinVar:

NM_001040709.2(SYPL2):c.435G>A (p.Glu145=)

Gene: SYPL2 (synaptophysin like 2; plus strand). Cytogenetic location: 1p13.3.
Variant type: single nucleotide variant.
Coding change: c.435G>A on transcript NM_001040709.2 (MANE Select); coding-DNA position 435, G replaced by A.
Protein change: p.Glu145=; no amino-acid change (glutamic acid 145 retained).
Molecular consequence: synonymous variant.
Genome position (GRCh38, 1-based): chr1:109,476,956, G>A. VCF-style: chr1-109476956-G-A. GRCh37 (hg19) VCF-style: chr1-110019578-G-A.
Identifiers: ClinVar variation 2638982 (VCV002638982.24), dbSNP rs760834976, ClinGen allele CA990562.

ClinVar aggregate classification (germline): Likely benign (1 of 4 stars; one submission).

Allele frequency attached by ClinVar (database versions not stated): ExAC 0.00005; gnomAD exomes 0.00005; TOPMed 0.00005; gnomAD 0.00007.

Submission:

CeGaT Center for Human Genetics Tuebingen
Classification: Likely benign. Last evaluated: 2022-10-01. Review status: criteria provided, single submitter. Criteria: CeGaT Center For Human Genetics Tuebingen Variant Classification Criteria Version 2. Collection method: clinical testing. Allele origin: germline. Affected: yes. Observed: 1 variant allele.
Comment: SYPL2: BP4, BP7